The following is an entry in ClinVar:

ClinVar aggregate classification (germline): Likely benign. Review status: criteria provided, multiple submitters, no conflicts (2 of 4 stars). 5 submissions from 5 submitters: Likely benign (3). 2 of the submissions do not count toward it. Last evaluated 2026-02-01.

Conditions:
SMARCA4-related disorder. Also called: SMARCA4-related condition.
Hereditary cancer-predisposing syndrome. Also called: Tumor predisposition; Hereditary neoplastic syndrome; Neoplastic Syndromes, Hereditary; Hereditary Cancer Syndrome. Identifiers: Orphanet 140162, MedGen C0027672, MeSH D009386, MONDO:0015356.
Rhabdoid tumor predisposition syndrome 2 (RTPS2). Identifiers: Orphanet 231108, Orphanet 69077, MedGen C2750074, MONDO:0013224, OMIM 613325.

Allele frequency attached by ClinVar (database versions not stated): gnomAD exomes 0.00006 and 0.00015; gnomAD 0.00009 and 0.00010; 1000 Genomes Project 30x 0.00016; TOPMed 0.00018; ExAC 0.00040.
gnomAD v4.1: 98 of 1,570,786 alleles (0.0062%); highest among the groups gnomAD compares: East Asian, 0.21%; no homozygotes.

Submissions (5):

Labcorp Genetics (formerly Invitae), Labcorp
Classification: Likely benign for Rhabdoid tumor predisposition syndrome 2. Last evaluated: 2026-02-01. Review status: criteria provided, single submitter. Criteria: Invitae Variant Classification Sherloc (09022015). Collection method: clinical testing. Allele origin: germline.

Sema4
Classification: Likely benign for Hereditary cancer-predisposing syndrome. Last evaluated: 2021-12-25. Review status: criteria provided, single submitter. Criteria: Sema4 Curation Guidelines. Collection method: curation. Allele origin: germline.

Ambry Genetics
Classification: Likely benign for Hereditary cancer-predisposing syndrome. Last evaluated: 2020-04-01. Review status: criteria provided, single submitter. Criteria: Ambry Variant Classification Scheme 2023. Collection method: clinical testing. Allele origin: germline.

PreventionGenetics, part of Exact Sciences
Classification: Likely benign for SMARCA4-related condition. Last evaluated: 2024-03-19. Review status: no assertion criteria provided. Collection method: clinical testing. Allele origin: germline. Not counted in ClinVar's aggregate classification.
Comment: This variant is classified as likely benign based on ACMG/AMP sequence variant interpretation guidelines (Richards et al. 2015 PMID: 25741868, with internal and published modifications).

ITMI
No classification provided. Condition: AllHighlyPenetrant. Last evaluated: 2013-09-19. Review status: no classification provided. Collection method: reference population. Allele origin: germline. Not counted in ClinVar's aggregate classification.
Comment: Please see associated publication for description of ethnicities

Literature cited by the submitters: PubMed 24728327 (cited by ITMI).

NM_003072.5(SMARCA4):c.602A>T (p.Gln201Leu)

Gene: SMARCA4 (SWI/SNF related BAF chromatin remodeling complex subunit ATPase 4; plus strand). Cytogenetic location: 19p13.2.
Variant type: single nucleotide variant.
Coding change: c.602A>T on transcript NM_003072.5 (MANE Select); coding-DNA position 602, A replaced by T.
Protein change: p.Gln201Leu; replaces glutamine 201 with leucine.
Molecular consequence: missense variant. On other transcripts: non-coding transcript variant (1).
Genome position (GRCh38, 1-based): chr19:10,986,435, A>T. VCF-style: chr19-10986435-A-T. GRCh37 (hg19) VCF-style: chr19-11097111-A-T.
Other names: c.602A>T, p.Gln201Leu (NM_001128844.3, NM_001128845.2, NM_001128846.2 and 5 more transcripts); short protein forms Q201L.
Identifiers: ClinVar variation 135250 (VCV000135250.19), dbSNP rs587778682, ClinGen allele CA162145.